The following is an entry in ClinVar:

ClinVar aggregate classification (germline): Uncertain significance (1 of 4 stars; one submission).

Conditions:
Early-infantile DEE. Also called: Early infantile epileptic encephalopathy; Early infantile epileptic encephalopathy with suppression bursts; Ohtahara syndrome. Identifiers: Orphanet 1934, MedGen C0393706, MONDO:0800491.

gnomAD v4.1: 1 of 1,613,754 alleles (0.000062%); highest among the groups gnomAD compares: African/African-American, 0.0013%; no homozygotes.

Submission:

Labcorp Genetics (formerly Invitae), Labcorp
Classification: Uncertain significance for Early-infantile DEE. Last evaluated: 2025-06-01. Review status: criteria provided, single submitter. Criteria: Invitae Variant Classification Sherloc (09022015). Collection method: clinical testing. Allele origin: germline.
Comment: This sequence change replaces alanine, which is neutral and non-polar, with valine, which is neutral and non-polar, at codon 1942 of the SCN8A protein (p.Ala1942Val). This variant is present in population databases (no rsID available, gnomAD 0.0009%). This variant has not been reported in the literature in individuals affected with SCN8A-related conditions. Invitae Evidence Modeling of protein sequence and biophysical properties (such as structural, functional, and spatial information, amino acid conservation, physicochemical variation, residue mobility, and thermodynamic stability) indicates that this missense variant is not expected to disrupt SCN8A protein function with a negative predictive value of 95%. In summary, the available evidence is currently insufficient to determine the role of this variant in disease. Therefore, it has been classified as a Variant of Uncertain Significance.

NM_001330260.2(SCN8A):c.5825C>T (p.Ala1942Val)

Gene: SCN8A (sodium voltage-gated channel alpha subunit 8; plus strand). Cytogenetic location: 12q13.13.
Variant type: single nucleotide variant.
Coding change: c.5825C>T on transcript NM_001330260.2 (MANE Select); coding-DNA position 5825, C replaced by T.
Protein change: p.Ala1942Val; replaces alanine 1942 with valine.
Molecular consequence: missense variant.
Genome position (GRCh38, 1-based): chr12:51,807,311, C>T. VCF-style: chr12-51807311-C-T. GRCh37 (hg19) VCF-style: chr12-52201095-C-T.
Other names: c.5702C>T, p.Ala1901Val (NM_001177984.3, NM_001369788.1); c.5825C>T, p.Ala1942Val (NM_014191.4); short protein forms A1901V, A1942V.
Identifiers: ClinVar variation 4749915 (VCV004749915.1).